The following is an entry in ClinVar:

ClinVar aggregate classification (germline): Uncertain significance. Review status: criteria provided, multiple submitters, no conflicts (2 of 4 stars). 2 submissions from 2 submitters: Uncertain significance (2). Last evaluated 2024-10-24.

Allele frequency attached by ClinVar (database versions not stated): gnomAD exomes 0.00001; ExAC 0.00002; TOPMed 0.00004; gnomAD 0.00007 and 0.00008; ESP Exome Variant Server 0.00008.
gnomAD v4.1: 23 of 1,613,970 alleles (0.0014%); highest among the groups gnomAD compares: African/African-American, 0.016%; no homozygotes.

Submissions (2):

Blueprint Genetics
Classification: Uncertain significance. Last evaluated: 2024-10-24. Review status: criteria provided, single submitter. Criteria: ACMG Guidelines, 2015. Collection method: clinical testing. Allele origin: germline.

Labcorp Genetics (formerly Invitae), Labcorp
Classification: Uncertain significance. Last evaluated: 2022-08-16. Review status: criteria provided, single submitter. Criteria: Invitae Variant Classification Sherloc (09022015). Collection method: clinical testing. Allele origin: germline.
Comment: This sequence change replaces arginine, which is basic and polar, with cysteine, which is neutral and slightly polar, at codon 610 of the MCM4 protein (p.Arg610Cys). This variant is present in population databases (rs377289087, gnomAD 0.02%). This variant has not been reported in the literature in individuals affected with MCM4-related conditions. ClinVar contains an entry for this variant (Variation ID: 1426889). Algorithms developed to predict the effect of missense changes on protein structure and function (SIFT, PolyPhen-2, Align-GVGD) all suggest that this variant is likely to be disruptive. In summary, the available evidence is currently insufficient to determine the role of this variant in disease. Therefore, it has been classified as a Variant of Uncertain Significance.

NM_182746.3(MCM4):c.1828C>T (p.Arg610Cys)

Gene: MCM4 (minichromosome maintenance complex component 4; plus strand). Cytogenetic location: 8q11.21.
Variant type: single nucleotide variant.
Coding change: c.1828C>T on transcript NM_182746.3 (MANE Select); coding-DNA position 1828, C replaced by T.
Protein change: p.Arg610Cys; replaces arginine 610 with cysteine.
Molecular consequence: missense variant.
Genome position (GRCh38, 1-based): chr8:47,971,368, C>T. VCF-style: chr8-47971368-C-T. GRCh37 (hg19) VCF-style: chr8-48883928-C-T.
Other names: c.1828C>T, p.Arg610Cys (NM_005914.4); short protein forms R610C.
Identifiers: ClinVar variation 1426889 (VCV001426889.7), dbSNP rs377289087, ClinGen allele CA4742726.